The following is an entry in ClinVar:

ClinVar aggregate classification (germline): Uncertain significance (1 of 4 stars; one submission).

Submission:

Labcorp Genetics (formerly Invitae), Labcorp
Classification: Uncertain significance. Last evaluated: 2024-05-07. Review status: criteria provided, single submitter. Criteria: Invitae Variant Classification Sherloc (09022015). Collection method: clinical testing. Allele origin: germline.
Comment: This sequence change replaces lysine, which is basic and polar, with glutamine, which is neutral and polar, at codon 334 of the CPA1 protein (p.Lys334Gln). This variant is not present in population databases (gnomAD no frequency). This variant has not been reported in the literature in individuals affected with CPA1-related conditions. Advanced modeling of protein sequence and biophysical properties (such as structural, functional, and spatial information, amino acid conservation, physicochemical variation, residue mobility, and thermodynamic stability) performed at Invitae indicates that this missense variant is not expected to disrupt CPA1 protein function with a negative predictive value of 80%. In summary, the available evidence is currently insufficient to determine the role of this variant in disease. Therefore, it has been classified as a Variant of Uncertain Significance.

NM_001868.4(CPA1):c.1000A>C (p.Lys334Gln)

Gene: CPA1 (carboxypeptidase A1; plus strand). Cytogenetic location: 7q32.2.
Variant type: single nucleotide variant.
Coding change: c.1000A>C on transcript NM_001868.4 (MANE Select); coding-DNA position 1000, A replaced by C.
Protein change: p.Lys334Gln; replaces lysine 334 with glutamine.
Molecular consequence: missense variant.
Genome position (GRCh38, 1-based): chr7:130,385,851, A>C. VCF-style: chr7-130385851-A-C. GRCh37 (hg19) VCF-style: chr7-130025692-A-C.
Other names: short protein forms K334Q.
Identifiers: ClinVar variation 3686471 (VCV003686471.2).